The following is an entry in ClinVar:

NM_000526.5(KRT14):c.73G>A (p.Gly25Arg)

Gene: KRT14 (keratin 14; minus strand). Cytogenetic location: 17q21.2.
Variant type: single nucleotide variant.
Coding change: c.73G>A on transcript NM_000526.5 (MANE Select); coding-DNA position 73, G replaced by A.
Protein change: p.Gly25Arg; replaces glycine 25 with arginine.
Molecular consequence: missense variant.
Genome position (GRCh38, 1-based): chr17:41,586,762, C>T on the plus strand (G>A on the coding strand, the complement: KRT14 is on the minus strand). VCF-style: chr17-41586762-C-T. GRCh37 (hg19) VCF-style: chr17-39743014-C-T.
Other names: short protein forms G25R.
Identifiers: ClinVar variation 2968198 (VCV002968198.3), dbSNP rs556526711, ClinGen allele CA8562829.

ClinVar aggregate classification (germline): Uncertain significance (1 of 4 stars; one submission).

Allele frequency attached by ClinVar (database versions not stated): gnomAD 0.00005; TOPMed 0.00005; ExAC 0.00014; 1000 Genomes Project 0.00040.
gnomAD v4.1: 53 of 1,581,312 alleles (0.0034%); highest among the groups gnomAD compares: East Asian, 0.012%; no homozygotes.

Submission:

Labcorp Genetics (formerly Invitae), Labcorp
Classification: Uncertain significance. Last evaluated: 2024-10-17. Review status: criteria provided, single submitter. Criteria: Invitae Variant Classification Sherloc (09022015). Collection method: clinical testing. Allele origin: germline.
Comment: This sequence change replaces glycine, which is neutral and non-polar, with arginine, which is basic and polar, at codon 25 of the KRT14 protein (p.Gly25Arg). This variant is present in population databases (rs556526711, gnomAD 0.009%). This variant has not been reported in the literature in individuals affected with KRT14-related conditions. Invitae Evidence Modeling of protein sequence and biophysical properties (such as structural, functional, and spatial information, amino acid conservation, physicochemical variation, residue mobility, and thermodynamic stability) indicates that this missense variant is not expected to disrupt KRT14 protein function with a negative predictive value of 95%. In summary, the available evidence is currently insufficient to determine the role of this variant in disease. Therefore, it has been classified as a Variant of Uncertain Significance.